The following is an entry in ClinVar:

NM_000419.5(ITGA2B):c.2459del (p.Asn820fs)

Gene: ITGA2B (integrin subunit alpha 2b; minus strand). Cytogenetic location: 17q21.31.
Variant type: Deletion.
Coding change: c.2459del on transcript NM_000419.5 (MANE Select); coding-DNA position 2459, one base deleted (A; older notation c.2459delA).
Protein change: p.Asn820fs; shifts the reading frame from asparagine 820.
Molecular consequence: frameshift variant.
Genome position (GRCh38, 1-based): chr17:44,375,975, T deleted on the plus strand (A on the coding strand, the reverse complement: ITGA2B is on the minus strand); the first of 2 consecutive T bases (chr17:44,375,975-44,375,976); deleting either gives the same sequence. VCF-style (leftmost placement, unchanged base first): chr17-44375974-AT-A. GRCh37 (hg19) VCF-style: chr17-42453342-AT-A.
Other names: short protein forms N820fs.
Identifiers: ClinVar variation 1210207 (VCV001210207.1), dbSNP rs2143438540, ClinGen allele CA915940722.

ClinVar aggregate classification (germline): Pathogenic (3 of 4 stars; one submission).

Conditions:
Glanzmann thrombasthenia. Also called: BLEEDING DISORDER, PLATELET-TYPE, 2; THROMBASTHENIA OF GLANZMANN AND NAEGELI; PLATELET GLYCOPROTEIN IIb-IIIa DEFICIENCY; Thrombasthenia; Glanzmann's thrombasthenia. Identifiers: Orphanet 849, MedGen C0040015, MONDO:0100326.

Submission:

ClinGen Platelet Disorders Variant Curation Expert Panel, ClinGen
Classification: Pathogenic for Glanzmann thrombasthenia. Last evaluated: 2021-07-08. Review status: reviewed by expert panel. Criteria: ClinGen Platelet ACMG Specifications v2. Collection method: curation. Allele origin: germline. Inheritance: Autosomal recessive inheritance.
Comment: The ITGA2B frameshift variant NM_000419.5:c.2459del is expected to introduce a premature termination codon six amino acids downstream (p.Asn820MetfsTer6) in exon 25/30 and the resulting mRNA product is predicted to be susceptible to nonsense mediated decay, leading to loss of normal protein function. This variant has been observed in homozygosity in one individual with a phenotype specific for Glanzmann's thrombasthenia (GT) (GT02, PMID: 16463284). Furthermore, this variant is absent from population databases. In summary, this variant meets criteria to be classified as pathogenic for GT. GT-specific criteria applied: PVS1, PP4_moderate, PM2_supporting, and PM3_supporting.